The following is an entry in ClinVar:

ClinVar aggregate classification (germline): Uncertain significance (1 of 4 stars; one submission).

Submission:

Ambry Genetics
Classification: Uncertain significance. Last evaluated: 2025-08-21. Review status: criteria provided, single submitter. Criteria: Ambry Variant Classification Scheme 2023. Collection method: clinical testing. Allele origin: germline.
Comment: The p.S331T variant (also known as c.992G>C), located in coding exon 7 of the RINT1 gene, results from a G to C substitution at nucleotide position 992. The serine at codon 331 is replaced by threonine, an amino acid with similar properties. This amino acid position is conserved. In addition, this alteration is predicted to be tolerated by in silico analysis. Based on the available evidence, the clinical significance of this variant remains unclear.

NM_021930.6(RINT1):c.992G>C (p.Ser331Thr)

Gene: RINT1 (RAD50 interactor 1; plus strand). Cytogenetic location: 7q22.3.
Variant type: single nucleotide variant.
Coding change: c.992G>C on transcript NM_021930.6 (MANE Select); coding-DNA position 992, G replaced by C.
Protein change: p.Ser331Thr; replaces serine 331 with threonine.
Molecular consequence: missense variant. On other transcripts: 5 prime UTR variant (1), non-coding transcript variant (1), intron variant (1).
Genome position (GRCh38, 1-based): chr7:105,548,706, G>C. VCF-style: chr7-105548706-G-C. GRCh37 (hg19) VCF-style: chr7-105189153-G-C.
Other names: c.758G>C, p.Ser253Thr (NM_001346599.2); c.-28G>C (NM_001346600.2); c.68G>C, p.Ser23Thr (NM_001346601.2); c.-27-1349G>C (NM_001346603.2); short protein forms S23T, S331T, S253T.
Identifiers: ClinVar variation 4154624 (VCV004154624.1).